The following is an entry in ClinVar:

NM_001130965.3(SUN1):c.1768A>T (p.Ile590Leu)

Gene: SUN1 (Sad1 and UNC84 domain containing 1; plus strand). Cytogenetic location: 7p22.3.
Variant type: single nucleotide variant.
Coding change: c.1768A>T on transcript NM_001130965.3 (MANE Select); coding-DNA position 1768, A replaced by T.
Protein change: p.Ile590Leu; replaces isoleucine 590 with leucine.
Molecular consequence: missense variant. On other transcripts: non-coding transcript variant (3).
Genome position (GRCh38, 1-based): chr7:860,371, A>T. VCF-style: chr7-860371-A-T. GRCh37 (hg19) VCF-style: chr7-900008-A-T.
Other names: c.1459A>T, p.Ile487Leu (NM_001171944.2); c.1768A>T, p.Ile590Leu (NM_001367633.1, NM_001367634.1, NM_001367653.1); c.1417A>T, p.Ile473Leu (NM_001367635.1); c.2008A>T, p.Ile670Leu (NM_001367636.1, NM_001367691.1); c.1876A>T, p.Ile626Leu (NM_001367638.1); c.1309A>T, p.Ile437Leu (NM_001367639.1); c.1948A>T, p.Ile650Leu (NM_001367640.1); c.2050A>T, p.Ile684Leu (NM_001367641.1, NM_001367682.1); and 43 more; short protein forms I352L, I473L, I507L, I544L, I557L, I577L, I589L, I599L.
Identifiers: ClinVar variation 938657 (VCV000938657.7), dbSNP rs374725863, ClinGen allele CA4112354.

ClinVar aggregate classification (germline): Uncertain significance (1 of 4 stars; one submission).

Conditions:
Emery-Dreifuss muscular dystrophy (EDMD). Also called: Scapuloperoneal syndrome, X-linked (formerly); Humeroperoneal neuromuscular disease, (formerly). Identifiers: Orphanet 261, MedGen C0410189, MONDO:0016830.

Allele frequency attached by ClinVar (database versions not stated): TOPMed 0.00005; gnomAD 0.00006 and 0.00007; gnomAD exomes 0.00006; ExAC 0.00007; ESP Exome Variant Server 0.00008.
gnomAD v4.1: 97 of 1,612,938 alleles (0.006%); highest among the groups gnomAD compares: Non-Finnish European, 0.0076%; no homozygotes.

Submission:

Labcorp Genetics (formerly Invitae), Labcorp
Classification: Uncertain significance for Emery-Dreifuss muscular dystrophy. Last evaluated: 2025-04-17. Review status: criteria provided, single submitter. Criteria: Invitae Variant Classification Sherloc (09022015). Collection method: clinical testing. Allele origin: germline.
Comment: This sequence change replaces isoleucine, which is neutral and non-polar, with leucine, which is neutral and non-polar, at codon 590 of the SUN1 protein (p.Ile590Leu). This variant is present in population databases (rs374725863, gnomAD 0.01%). This variant has not been reported in the literature in individuals affected with SUN1-related conditions. ClinVar contains an entry for this variant (Variation ID: 938657). An algorithm developed to predict the effect of missense changes on protein structure and function (PolyPhen-2) suggests that this variant is likely to be disruptive. In summary, the available evidence is currently insufficient to determine the role of this variant in disease. Therefore, it has been classified as a Variant of Uncertain Significance.